The following is an entry in ClinVar:

NM_020987.5(ANK3):c.13024A>C (p.Ser4342Arg)

Gene: ANK3 (ankyrin 3; minus strand). Cytogenetic location: 10q21.2.
Variant type: single nucleotide variant.
Coding change: c.13024A>C on transcript NM_020987.5 (MANE Select); coding-DNA position 13024, A replaced by C.
Protein change: p.Ser4342Arg; replaces serine 4342 with arginine.
Molecular consequence: missense variant.
Genome position (GRCh38, 1-based): chr10:60,055,699, T>G on the plus strand (A>C on the coding strand, the complement: ANK3 is on the minus strand). VCF-style: chr10-60055699-T-G. GRCh37 (hg19) VCF-style: chr10-61815457-T-G.
Other names: c.2896A>C, p.Ser966Arg (NM_001149.4); c.5476A>C, p.Ser1826Arg (NM_001204403.2); c.5497A>C, p.Ser1833Arg (NM_001204404.2); c.5494A>C, p.Ser1832Arg (NM_001320874.2); short protein forms S1826R, S1832R, S1833R, S4342R, S966R.
Identifiers: ClinVar variation 1329490 (VCV001329490.3), dbSNP rs775338026, ClinGen allele CA5510687.

ClinVar aggregate classification (germline): Uncertain significance (1 of 4 stars; one submission).

Conditions:
Intellectual developmental disorder, autosomal recessive 37. Also called: Intellectual disability-hypotonia-spasticity-sleep disorder syndrome. Identifiers: Orphanet 356996, MedGen C3809672, MONDO:0014210, OMIM 615493.

Allele frequency attached by ClinVar (database versions not stated): gnomAD exomes 0.00001 and below 0.00001; gnomAD 0.00001; TOPMed below 0.00001; ExAC 0.00001.
gnomAD v4.1: 9 of 1,614,070 alleles (0.00056%); highest among the groups gnomAD compares: South Asian, 0.0055%; no homozygotes.

Submission:

Diagnostics Services (NGS), CSIR - Centre For Cellular And Molecular Biology
Classification: Uncertain significance for Intellectual developmental disorder, autosomal recessive 37. Last evaluated: 2021-11-18. Review status: criteria provided, single submitter. Criteria: ACMG Guidelines, 2015. Collection method: clinical testing. Allele origin: germline. Inheritance: Autosomal recessive inheritance. Affected: yes. Observed: 1 variant allele, 1 homozygote.
Comment: The c.13024A>C variant is not present in publicly available population databases like 1000 Genomes and Exome Variant Server (EVS). The heterozygous state of the variant is present in Exome Aggregation Consortium (ExAC), Genome Aggregation Database (gnomAD) and dbSNP at a very low frequency. The variant is not present in Indian Exome Database and in our in-house exome database. The variant was not earlier was reported to ClinVar, Human Genome Mutation Database (HGMD) and/or OMIM databases in any affected individuals. Predictions from different in-silico pathogenicity prediction programs like SIFT, PolyPhen-2, MutationTaster2, CADD, Varsome etc. are contradictory, however these predictions have not been confirmed by published functional studies.